The following is an entry in ClinVar:

NM_139137.4(KCNC2):c.1001G>A (p.Gly334Glu)

Gene: KCNC2 (potassium voltage-gated channel subfamily C member 2; minus strand). Cytogenetic location: 12q21.1.
Variant type: single nucleotide variant.
Coding change: c.1001G>A on transcript NM_139137.4 (MANE Select); coding-DNA position 1001, G replaced by A.
Protein change: p.Gly334Glu; replaces glycine 334 with glutamic acid.
Molecular consequence: missense variant.
Genome position (GRCh38, 1-based): chr12:75,051,004, C>T on the plus strand (G>A on the coding strand, the complement: KCNC2 is on the minus strand). VCF-style: chr12-75051004-C-T. GRCh37 (hg19) VCF-style: chr12-75444784-C-T.
Other names: c.1001G>A, p.Gly334Glu (NM_001260497.2, NM_001260498.2, NM_001260499.2 and 2 more transcripts); short protein forms G334E.
Identifiers: ClinVar variation 1704174 (VCV001704174.2), dbSNP rs2547844456, ClinGen allele CA385926072.

ClinVar aggregate classification (germline): Uncertain significance (1 of 4 stars; one submission).

Submission:

GeneDx
Classification: Uncertain significance. Last evaluated: 2022-01-25. Review status: criteria provided, single submitter. Criteria: GeneDx Variant Classification Process June 2021. Collection method: clinical testing. Allele origin: germline. Affected: yes.
Comment: Not observed at significant frequency in large population cohorts (gnomAD); In silico analysis supports that this missense variant has a deleterious effect on protein structure/function; Has not been previously published as pathogenic or benign to our knowledge; Variants in candidate genes are classified as variants of uncertain significance in accordance with ACMG guidelines (Richards et al., 2015)